The following is an entry in ClinVar:

ClinVar aggregate classification (germline): Uncertain significance (1 of 4 stars; one submission).

Conditions:
Inborn genetic diseases. Identifiers: MedGen C0950123, MeSH D030342.

gnomAD v4.1: 3 of 1,614,060 alleles (0.00019%); highest among the groups gnomAD compares: Admixed American, 0.005%; no homozygotes.

Submission:

Ambry Genetics
Classification: Uncertain significance for Inborn genetic diseases. Last evaluated: 2025-06-26. Review status: criteria provided, single submitter. Criteria: Ambry Variant Classification Scheme 2023. Collection method: clinical testing. Allele origin: germline.
Comment: The p.S1226P variant (also known as c.3676T>C), located in coding exon 37 of the FANCA gene, results from a T to C substitution at nucleotide position 3676. The serine at codon 1226 is replaced by proline, an amino acid with similar properties. This amino acid position is conserved. In addition, the in silico prediction for this alteration is inconclusive. Based on the available evidence, the clinical significance of this variant remains unclear.

NM_000135.4(FANCA):c.3676T>C (p.Ser1226Pro)

Gene: FANCA (FA complementation group A; minus strand). Cytogenetic location: 16q24.3.
Variant type: single nucleotide variant.
Coding change: c.3676T>C on transcript NM_000135.4 (MANE Select); coding-DNA position 3676, T replaced by C.
Protein change: p.Ser1226Pro; replaces serine 1226 with proline.
Molecular consequence: missense variant.
Genome position (GRCh38, 1-based): chr16:89,742,889, A>G on the plus strand (T>C on the coding strand, the complement: FANCA is on the minus strand). VCF-style: chr16-89742889-A-G. GRCh37 (hg19) VCF-style: chr16-89809297-A-G.
Other names: c.3676T>C, p.Ser1226Pro (NM_001286167.3); short protein forms S1226P.
Identifiers: ClinVar variation 4254154 (VCV004254154.1).
Genomic context (GRCh38, chr16:89,742,889, plus strand): 5'-GCTGCTTCCTGATGTTTTCTTCCCTGACTTGTTGAATCGCAAAGTGCAGTGCAGCAGCTG[A>G]GAGCCAGTCCGGGTTGGGTGCTGGGGAGGCAGCCTCAGGGGAGAGGAAACTGGGACAGAG-3'
Protein context (NP_000126.2, residues 1216-1236): ASPAPNPDWL[Ser1226Pro]AAALHFAIQQ